The following is an entry in ClinVar:

NM_018896.5(CACNA1G):c.6031A>G (p.Thr2011Ala)

Gene: CACNA1G (calcium voltage-gated channel subunit alpha1 G; plus strand). Cytogenetic location: 17q21.33.
Variant type: single nucleotide variant.
Coding change: c.6031A>G on transcript NM_018896.5 (MANE Select); coding-DNA position 6031, A replaced by G.
Protein change: p.Thr2011Ala; replaces threonine 2011 with alanine.
Molecular consequence: missense variant. On other transcripts: intron variant (24).
Genome position (GRCh38, 1-based): chr17:50,621,765, A>G. VCF-style: chr17-50621765-A-G. GRCh37 (hg19) VCF-style: chr17-48699126-A-G.
Other names: c.5998A>G, p.Thr2000Ala (NM_198377.3); c.5818A>G, p.Thr1940Ala (NM_198383.3); c.5929A>G, p.Thr1977Ala (NM_198396.3); c.5803-2142A>G (NM_001256325.2); c.5892+1939A>G (NM_198380.3); c.5749-2142A>G (NM_198378.3, NM_001256334.2); c.5925+1939A>G (NM_198385.3); c.5782-2142A>G (NM_198384.3, NM_001256333.2); and 15 more; short protein forms T1940A, T1977A, T2000A, T2011A.
Identifiers: ClinVar variation 4688763 (VCV004688763.1).
Genomic context (GRCh38, chr17:50,621,765, plus strand): 5'-GTGTCTGAACCGTCCTGCTCTCTAGCTCTGACGGATGACTCTTTGCCTGATGACATGCAC[A>G]CACTCTTACTTAGTGCCCTGGAGAGCAATGTACATACACACTGCCCTCACTGCTCCCGGC-3'
Protein context (NP_061496.2, residues 2001-2021): TDDSLPDDMH[Thr2011Ala]LLLSALESNM

ClinVar aggregate classification (germline): Uncertain significance (1 of 4 stars; one submission).

gnomAD v4.1: 2 of 1,613,932 alleles (0.00012%); highest among the groups gnomAD compares: Middle Eastern, 0.016%; no homozygotes.

Submission:

Women's Health and Genetics/Laboratory Corporation of America, LabCorp
Classification: Uncertain significance. Last evaluated: 2025-12-28. Review status: criteria provided, single submitter. Criteria: LabCorp Variant Classification Summary - May 2015. Collection method: clinical testing. Allele origin: germline.
Comment: Variant summary: CACNA1G c.6031A>G (p.Thr2011Ala) results in a non-conservative amino acid change in the encoded protein sequence. Algorithms developed to predict the effect of missense changes on protein structure and function are either unavailable or do not agree on the potential impact of this missense change. The variant allele was found at a frequency of 4e-06 in 249196 control chromosomes. The available data on variant occurrences in the general population are insufficient to allow any conclusion about variant significance. To our knowledge, no occurrence of c.6031A>G in individuals affected with CACNA1G-related conditions and no experimental evidence demonstrating its impact on protein function have been reported. No submitters have cited clinical-significance assessments for this variant to ClinVar. Based on the evidence outlined above, the variant was classified as uncertain significance.